The following is an entry in ClinVar:

NC_012920.1(MT-ND5):m.13477G>A

Gene: MT-ND5 (mitochondrially encoded NADH dehydrogenase 5; plus strand).
Variant type: single nucleotide variant.
Genome position: chrM-13477-G-A.
Identifiers: ClinVar variation 693561 (VCV000693561.1), dbSNP rs200283691, ClinGen allele CA337099702.

ClinVar aggregate classification (germline): Benign (1 of 4 stars; one submission).

Conditions:
Leigh syndrome (NULS). Also called: Leigh's necrotizing encephalopathy; Leigh's disease; Leigh Syndrome (mtDNA deletion); Leigh Disease; Subacute necrotizing encephalopathy; Necrotizing encephalopathy infantile subacute of Leigh. Identifiers: Orphanet 506, MedGen C2931891, MONDO:0009723, OMIM 256000.

Submission:

Wong Mito Lab, Molecular and Human Genetics, Baylor College of Medicine
Classification: Benign for Leigh syndrome. Last evaluated: 2019-10-17. Review status: criteria provided, single submitter. Criteria: Modified ACMG Guidelines (Unpublished). Collection method: clinical testing. Allele origin: germline.
Comment: The NC_012920.1:m.13477G>A (YP_003024036.1:p.Ala381Thr) variant in MTND5 gene is interpretated to be a Benign variant based on the modified ACMG guidelines (unpublished). This variant meets the following evidence codes: BS1, BS2, BP4